The following is an entry in ClinVar:

ClinVar aggregate classification (germline): Uncertain significance. Review status: criteria provided, multiple submitters, no conflicts (2 of 4 stars). 2 submissions from 2 submitters: Uncertain significance (2). Last evaluated 2024-11-12.

Conditions:
Inborn genetic diseases. Identifiers: MedGen C0950123, MeSH D030342.

Allele frequency attached by ClinVar (database versions not stated): TOPMed below 0.00001.

Submissions (2):

Ambry Genetics
Classification: Uncertain significance for Inborn genetic diseases. Last evaluated: 2024-11-12. Review status: criteria provided, single submitter. Criteria: Ambry Variant Classification Scheme 2023. Collection method: clinical testing. Allele origin: germline.

Labcorp Genetics (formerly Invitae), Labcorp
Classification: Uncertain significance. Last evaluated: 2024-02-25. Review status: criteria provided, single submitter. Criteria: Invitae Variant Classification Sherloc (09022015). Collection method: clinical testing. Allele origin: germline.
Comment: This sequence change replaces valine, which is neutral and non-polar, with methionine, which is neutral and non-polar, at codon 29 of the PROK2 protein (p.Val29Met). This variant is not present in population databases (gnomAD no frequency). This variant has not been reported in the literature in individuals affected with PROK2-related conditions. An algorithm developed to predict the effect of missense changes on protein structure and function (PolyPhen-2) suggests that this variant is likely to be disruptive. In summary, the available evidence is currently insufficient to determine the role of this variant in disease. Therefore, it has been classified as a Variant of Uncertain Significance.

NM_001126128.2(PROK2):c.85G>A (p.Val29Met)

Gene: PROK2 (prokineticin 2; minus strand). Cytogenetic location: 3p13.
Variant type: single nucleotide variant.
Coding change: c.85G>A on transcript NM_001126128.2 (MANE Select); coding-DNA position 85, G replaced by A.
Protein change: p.Val29Met; replaces valine 29 with methionine.
Molecular consequence: missense variant.
Genome position (GRCh38, 1-based): chr3:71,784,968, C>T on the plus strand (G>A on the coding strand, the complement: PROK2 is on the minus strand). VCF-style: chr3-71784968-C-T. GRCh37 (hg19) VCF-style: chr3-71834119-C-T.
Other names: c.85G>A (NM_001126128.1); c.85G>A, p.Val29Met (NM_021935.4); short protein forms V29M.
Identifiers: ClinVar variation 2846013 (VCV002846013.4), dbSNP rs1028548556, ClinGen allele CA76548289.